The following is an entry in ClinVar:

ClinVar aggregate classification (germline): Conflicting classifications of pathogenicity. Review status: criteria provided, conflicting classifications (1 of 4 stars). 3 submissions from 3 submitters: Uncertain significance (1); Benign (1); Likely benign (1). Last evaluated 2025-12-01.

Conditions:
Microcephalic osteodysplastic primordial dwarfism type II (MOPD2). Also called: Microcephalic osteodysplastic primordial dwarfism with tooth abnormalities; MOPD II; OSTEODYSPLASTIC PRIMORDIAL DWARFISM, TYPE II. Identifiers: Orphanet 2637, MedGen C0432246, MONDO:0008872, OMIM 210720.

Allele frequency attached by ClinVar (database versions not stated): TOPMed 0.00015; 1000 Genomes Project 30x 0.00031; 1000 Genomes Project 0.00040; ESP Exome Variant Server 0.00046; gnomAD exomes 0.00099 and 0.00253; gnomAD 0.00200 and 0.00209; ExAC 0.00234.
gnomAD v4.1: 1,767 of 1,614,110 alleles (0.11%); highest among the groups gnomAD compares: Non-Finnish European, 0.023%; 28 homozygotes.

Submissions (3):

Labcorp Genetics (formerly Invitae), Labcorp
Classification: Benign. Last evaluated: 2025-12-01. Review status: criteria provided, single submitter. Criteria: Invitae Variant Classification Sherloc (09022015). Collection method: clinical testing. Allele origin: germline.

Illumina Laboratory Services, Illumina
Classification: Uncertain significance for Microcephalic osteodysplastic primordial dwarfism type II. Last evaluated: 2018-01-12. Review status: criteria provided, single submitter. Criteria: ICSL Variant Classification Criteria 13 December 2019. Collection method: clinical testing. Allele origin: germline.

GeneDx
Classification: Likely benign. Last evaluated: 2016-11-30. Review status: criteria provided, single submitter. Criteria: GeneDx Variant Classification (06012015). Collection method: clinical testing. Allele origin: germline. Affected: yes.
Comment: This variant is considered likely benign or benign based on one or more of the following criteria: it is a conservative change, it occurs at a poorly conserved position in the protein, it is predicted to be benign by multiple in silico algorithms, and/or has population frequency not consistent with disease.

NM_006031.6(PCNT):c.9291T>C (p.Ala3097=)

Gene: PCNT (pericentrin; plus strand). Cytogenetic location: 21q22.3.
Variant type: single nucleotide variant.
Coding change: c.9291T>C on transcript NM_006031.6 (MANE Select); coding-DNA position 9291, T replaced by C.
Protein change: p.Ala3097=; no amino-acid change (alanine 3097 retained).
Molecular consequence: synonymous variant.
Genome position (GRCh38, 1-based): chr21:46,440,100, T>C. VCF-style: chr21-46440100-T-C. GRCh37 (hg19) VCF-style: chr21-47860013-T-C.
Other names: c.8700T>C, p.Ala2900= (NM_001315529.2).
Identifiers: ClinVar variation 340544 (VCV000340544.8), dbSNP rs150554265, ClinGen allele CA10081281.
Genomic context (GRCh38, chr21:46,440,100, plus strand): 5'-GACGAGCAGCTCTGTAGACAGCGCTGGCTGTGCTTCCTTACAGAGGTCGGAAAGGTCTGC[T>C]TGGAAGCCAGACGAAACGGCTCCACAGAGTTCCCTGAGGCGCCCAGACCCCGGCCGGCTT-3'
Protein context (NP_006022.3, residues 3087-3107): GCSPSRSERS[Ala3097=]WKPDETAPQS